The following is an entry in ClinVar:

ClinVar aggregate classification (germline): Uncertain significance (1 of 4 stars; one submission).

Conditions:
Cardiovascular phenotype. Identifiers: MedGen CN230736.

Allele frequency attached by ClinVar (database versions not stated): TOPMed below 0.00001.

Submission:

Ambry Genetics
Classification: Uncertain significance for Cardiovascular phenotype. Last evaluated: 2021-10-11. Review status: criteria provided, single submitter. Criteria: Ambry Variant Classification Scheme 2023. Collection method: clinical testing. Allele origin: germline.
Comment: The p.R3132L variant (also known as c.9395G>T), located in coding exon 2 of the ZNF469 gene, results from a G to T substitution at nucleotide position 9395. The arginine at codon 3132 is replaced by leucine, an amino acid with dissimilar properties. This amino acid position is conserved. In addition, this alteration is predicted to be tolerated by in silico analysis. Since supporting evidence is limited at this time, the clinical significance of this alteration remains unclear.

NM_001367624.2(ZNF469):c.9479G>T (p.Arg3160Leu)

Gene: ZNF469 (zinc finger protein 469; plus strand). Cytogenetic location: 16q24.2.
Variant type: single nucleotide variant.
Coding change: c.9479G>T on transcript NM_001367624.2 (MANE Select); coding-DNA position 9479, G replaced by T.
Protein change: p.Arg3160Leu; replaces arginine 3160 with leucine.
Molecular consequence: missense variant.
Genome position (GRCh38, 1-based): chr16:88,436,949, G>T. VCF-style: chr16-88436949-G-T. GRCh37 (hg19) VCF-style: chr16-88503357-G-T.
Other names: NM_001127464.1:c.9395G>T; short protein forms R3160L.
Identifiers: ClinVar variation 1766778 (VCV001766778.2), dbSNP rs1394136664, ClinGen allele CA397122450.